The following is an entry in ClinVar:

NM_000051.4(ATM):c.557T>C (p.Leu186Ser)

Gene: ATM (ATM serine/threonine kinase; plus strand). Cytogenetic location: 11q22.3.
Variant type: single nucleotide variant.
Coding change: c.557T>C on transcript NM_000051.4 (MANE Select); coding-DNA position 557, T replaced by C.
Protein change: p.Leu186Ser; replaces leucine 186 with serine.
Molecular consequence: missense variant.
Genome position (GRCh38, 1-based): chr11:108,244,013, T>C. VCF-style: chr11-108244013-T-C. GRCh37 (hg19) VCF-style: chr11-108114740-T-C.
Other names: c.557T>C, p.Leu186Ser (NM_001351834.2); short protein forms L186S.
Identifiers: ClinVar variation 840545 (VCV000840545.8), dbSNP rs1555066388, ClinGen allele CA382527748.

ClinVar aggregate classification (germline): Uncertain significance. Review status: criteria provided, multiple submitters, no conflicts (2 of 4 stars). 2 submissions from 2 submitters: Uncertain significance (2). Last evaluated 2025-03-09.

Conditions:
Hereditary cancer-predisposing syndrome. Also called: Neoplastic Syndromes, Hereditary; Hereditary neoplastic syndrome; Tumor predisposition; Hereditary Cancer Syndrome. Identifiers: Orphanet 140162, MedGen C0027672, MeSH D009386, MONDO:0015356.
Ataxia-telangiectasia syndrome (AT). Also called: Ataxia-telangiectasia, complementation group D; AT, COMPLEMENTATION GROUP C; Ataxia telangiectasia (A-T); Cerebello-oculocutaneous telangiectasia; Immunodeficiency with ataxia telangiectasia; Ataxia-telangiectasia. Identifiers: Orphanet 100, MedGen C0004135, MONDO:0008840, OMIM 208900.

Submissions (2):

Labcorp Genetics (formerly Invitae), Labcorp
Classification: Uncertain significance for Ataxia-telangiectasia syndrome. Last evaluated: 2025-03-09. Review status: criteria provided, single submitter. Criteria: Invitae Variant Classification Sherloc (09022015). Collection method: clinical testing. Allele origin: germline.
Comment: This sequence change replaces leucine, which is neutral and non-polar, with serine, which is neutral and polar, at codon 186 of the ATM protein (p.Leu186Ser). This variant is not present in population databases (gnomAD no frequency). This variant has not been reported in the literature in individuals affected with ATM-related conditions. ClinVar contains an entry for this variant (Variation ID: 840545). Invitae Evidence Modeling of protein sequence and biophysical properties (such as structural, functional, and spatial information, amino acid conservation, physicochemical variation, residue mobility, and thermodynamic stability) indicates that this missense variant is not expected to disrupt ATM protein function with a negative predictive value of 95%. In summary, the available evidence is currently insufficient to determine the role of this variant in disease. Therefore, it has been classified as a Variant of Uncertain Significance.

Ambry Genetics
Classification: Uncertain significance for Hereditary cancer-predisposing syndrome. Last evaluated: 2023-11-03. Review status: criteria provided, single submitter. Criteria: Ambry Variant Classification Scheme 2023. Collection method: clinical testing. Allele origin: germline.
Comment: The p.L186S variant (also known as c.557T>C), located in coding exon 5 of the ATM gene, results from a T to C substitution at nucleotide position 557. The leucine at codon 186 is replaced by serine, an amino acid with dissimilar properties. This amino acid position is conserved. In addition, the in silico prediction for this alteration is inconclusive. Since supporting evidence is limited at this time, the clinical significance of this alteration remains unclear.